The following is an entry in ClinVar:

ClinVar aggregate classification (germline): Uncertain significance (1 of 4 stars; one submission).

Allele frequency attached by ClinVar (database versions not stated): ExAC 0.00005; gnomAD 0.00007; TOPMed 0.00003; gnomAD exomes 0.00004.
gnomAD v4.1: 77 of 1,614,112 alleles (0.0048%); highest among the groups gnomAD compares: African/African-American, 0.0013%; no homozygotes.

Submission:

Labcorp Genetics (formerly Invitae), Labcorp
Classification: Uncertain significance. Last evaluated: 2025-05-28. Review status: criteria provided, single submitter. Criteria: Invitae Variant Classification Sherloc (09022015). Collection method: clinical testing. Allele origin: germline.
Comment: This sequence change replaces methionine, which is neutral and non-polar, with threonine, which is neutral and polar, at codon 935 of the ARHGEF10 protein (p.Met935Thr). This variant is present in population databases (rs746646889, gnomAD 0.2%), and has an allele count higher than expected for a pathogenic variant. This variant has not been reported in the literature in individuals affected with ARHGEF10-related conditions. ClinVar contains an entry for this variant (Variation ID: 2886671). Invitae Evidence Modeling of protein sequence and biophysical properties (such as structural, functional, and spatial information, amino acid conservation, physicochemical variation, residue mobility, and thermodynamic stability) indicates that this missense variant is not expected to disrupt ARHGEF10 protein function with a negative predictive value of 80%. In summary, the available evidence is currently insufficient to determine the role of this variant in disease. Therefore, it has been classified as a Variant of Uncertain Significance.

NM_014629.4(ARHGEF10):c.2804T>C (p.Met935Thr)

Gene: ARHGEF10 (Rho guanine nucleotide exchange factor 10; plus strand). Cytogenetic location: 8p23.3.
Variant type: single nucleotide variant.
Coding change: c.2804T>C on transcript NM_014629.4 (MANE Select); coding-DNA position 2804, T replaced by C.
Protein change: p.Met935Thr; replaces methionine 935 with threonine.
Molecular consequence: missense variant.
Genome position (GRCh38, 1-based): chr8:1,928,533, T>C. VCF-style: chr8-1928533-T-C. GRCh37 (hg19) VCF-style: chr8-1876699-T-C.
Other names: c.2690T>C, p.Met897Thr (NM_001308152.2); c.2804T>C, p.Met935Thr (NM_001308153.3); short protein forms M935T, M959T, M897T.
Identifiers: ClinVar variation 2886671 (VCV002886671.3), dbSNP rs746646889, ClinGen allele CA4601070.
Genomic context (GRCh38, chr8:1,928,533, plus strand): 5'-TTCAAAATTCCACTCCCAAAGTCATTGAGTGCTTCAACGTGGAATCTCGCATCCTGTGCA[T>C]GCTGTACGTTCCCGTCGAGGAGAAGCGCAGAGAGCCTGGGGCACCCCCGGACCCCGAGAC-3'
Protein context (NP_055444.2, residues 925-945): CFNVESRILC[Met935Thr]LYVPVEEKRR